The following is an entry in ClinVar:

ClinVar aggregate classification (germline): Uncertain significance (1 of 4 stars; one submission).

gnomAD v4.1: 2 of 1,614,118 alleles (0.00012%); highest among the groups gnomAD compares: Non-Finnish European, 0.00017%; no homozygotes.

Submission:

Women's Health and Genetics/Laboratory Corporation of America, LabCorp
Classification: Uncertain significance. Last evaluated: 2025-06-24. Review status: criteria provided, single submitter. Criteria: LabCorp Variant Classification Summary - May 2015. Collection method: clinical testing. Allele origin: germline.
Comment: Variant summary: ABCC8 c.4568T>C (p.Val1523Ala) results in a non-conservative amino acid change in the encoded protein sequence. Algorithms developed to predict the effect of missense changes on protein structure and function are either unavailable or do not agree on the potential impact of this missense change. The variant was absent in 251310 control chromosomes. The available data on variant occurrences in the general population are insufficient to allow any conclusion about variant significance. c.4568T>C has been reported in an individual affected with permanent neonatal diabetes mellitus (example: Shah_2012). These report(s) do not provide unequivocal conclusions about association of the variant with Neonatal Diabetes Mellitus. To our knowledge, no experimental evidence demonstrating an impact on protein function has been reported. The following publication has been ascertained in the context of this evaluation (PMID: 22768668). No submitters have cited clinical-significance assessments for this variant to ClinVar. Based on the evidence outlined above, the variant was classified as uncertain significance.

Literature cited by the submitters: PubMed 22768668.

NM_000352.6(ABCC8):c.4568T>C (p.Val1523Ala)

Gene: ABCC8 (ATP binding cassette subfamily C member 8; minus strand). Cytogenetic location: 11p15.1.
Variant type: single nucleotide variant.
Coding change: c.4568T>C on transcript NM_000352.6 (MANE Select); coding-DNA position 4568, T replaced by C.
Protein change: p.Val1523Ala; replaces valine 1523 with alanine.
Molecular consequence: missense variant. On other transcripts: non-coding transcript variant (1).
Genome position (GRCh38, 1-based): chr11:17,393,737, A>G on the plus strand (T>C on the coding strand, the complement: ABCC8 is on the minus strand). VCF-style: chr11-17393737-A-G. GRCh37 (hg19) VCF-style: chr11-17415284-A-G.
Other names: c.4571T>C, p.Val1524Ala (NM_001287174.3); c.4634T>C, p.Val1545Ala (NM_001351295.2); c.4568T>C, p.Val1523Ala (NM_001351296.2); c.4565T>C, p.Val1522Ala (NM_001351297.2); short protein forms V1522A, V1523A, V1524A, V1545A.
Identifiers: ClinVar variation 3907559 (VCV003907559.1).